The following is an entry in ClinVar:

ClinVar aggregate classification (germline): Conflicting classifications of pathogenicity. Review status: criteria provided, conflicting classifications (1 of 4 stars). 3 submissions from 3 submitters: Uncertain significance (2); Likely benign (1). Last evaluated 2025-07-23.

Conditions:
Emery-Dreifuss muscular dystrophy 5, autosomal dominant (EDMD5). Also called: EMERY-DREIFUSS MUSCULAR DYSTROPHY 5. Identifiers: Orphanet 261, MedGen C2751805, MONDO:0013072, OMIM 612999.

Allele frequency attached by ClinVar (database versions not stated): gnomAD exomes 0.00001 and 0.00002; ExAC 0.00002; ESP Exome Variant Server 0.00008.
gnomAD v4.1: 20 of 1,614,164 alleles (0.0012%); highest among the groups gnomAD compares: Non-Finnish European, 0.0015%; no homozygotes.

Submissions (3):

Labcorp Genetics (formerly Invitae), Labcorp
Classification: Uncertain significance for Emery-Dreifuss muscular dystrophy 5, autosomal dominant. Last evaluated: 2025-07-23. Review status: criteria provided, single submitter. Criteria: Invitae Variant Classification Sherloc (09022015). Collection method: clinical testing. Allele origin: germline.
Comment: This sequence change replaces lysine, which is basic and polar, with glutamic acid, which is acidic and polar, at codon 4931 of the SYNE2 protein (p.Lys4931Glu). This variant is present in population databases (rs145031656, gnomAD 0.004%). This variant has not been reported in the literature in individuals affected with SYNE2-related conditions. ClinVar contains an entry for this variant (Variation ID: 883717). An algorithm developed to predict the effect of missense changes on protein structure and function (PolyPhen-2) suggests that this variant is likely to be disruptive. In summary, the available evidence is currently insufficient to determine the role of this variant in disease. Therefore, it has been classified as a Variant of Uncertain Significance.

Ambry Genetics
Classification: Uncertain significance. Last evaluated: 2024-12-01. Review status: criteria provided, single submitter. Criteria: Ambry Variant Classification Scheme 2023. Collection method: clinical testing. Allele origin: germline.

Illumina Laboratory Services, Illumina
Classification: Likely benign for Emery-Dreifuss muscular dystrophy 5, autosomal dominant. Last evaluated: 2018-01-12. Review status: criteria provided, single submitter. Criteria: ICSL Variant Classification Criteria 13 December 2019. Collection method: clinical testing. Allele origin: germline.
Comment: This variant was observed in the ICSL laboratory as part of a predisposition screen in an ostensibly healthy population. It had not been previously curated by ICSL or reported in the Human Gene Mutation Database (HGMD: prior to June 1st, 2018), and was therefore a candidate for classification through an automated scoring system. Utilizing variant allele frequency, disease prevalence and penetrance estimates, and inheritance mode, an automated score was calculated to assess if this variant is too frequent to cause the disease. Based on the score and internal cut-off values, a variant classified as likely benign is not then subjected to further curation. The score for this variant resulted in a classification of likely benign for this disease.

NM_182914.3(SYNE2):c.14791A>G (p.Lys4931Glu)

Gene: SYNE2 (spectrin repeat containing nuclear envelope protein 2; plus strand). Cytogenetic location: 14q23.2.
Variant type: single nucleotide variant.
Coding change: c.14791A>G on transcript NM_182914.3 (MANE Select); coding-DNA position 14791, A replaced by G.
Protein change: p.Lys4931Glu; replaces lysine 4931 with glutamic acid.
Molecular consequence: missense variant.
Genome position (GRCh38, 1-based): chr14:64,137,931, A>G. VCF-style: chr14-64137931-A-G. GRCh37 (hg19) VCF-style: chr14-64604649-A-G.
Other names: c.14791A>G, p.Lys4931Glu (NM_015180.6); short protein forms K4931E.
Identifiers: ClinVar variation 883717 (VCV000883717.8), dbSNP rs145031656, ClinGen allele CA7222870.